The following is an entry in ClinVar:

ClinVar aggregate classification (germline): Uncertain significance. Review status: criteria provided, single submitter (1 of 4 stars). 2 submissions from 2 submitters: Uncertain significance (1). 1 of the submissions does not count toward it. Last evaluated 2024-11-18.

Conditions:
Usher syndrome type 1 (USH1). Also called: RETINITIS PIGMENTOSA AND CONGENITAL DEAFNESS. Identifiers: Orphanet 231169, Orphanet 886, MedGen C1568247, MONDO:0010168, OMIM 276900.

Allele frequency attached by ClinVar (database versions not stated): gnomAD 0.00001.
gnomAD v4.1: 42 of 1,609,136 alleles (0.0026%); highest among the groups gnomAD compares: East Asian, 0.089%; 2 homozygotes.

Submissions (2):

Labcorp Genetics (formerly Invitae), Labcorp
Classification: Uncertain significance. Last evaluated: 2024-11-18. Review status: criteria provided, single submitter. Criteria: Invitae Variant Classification Sherloc (09022015). Collection method: clinical testing. Allele origin: germline.
Comment: This sequence change replaces alanine, which is neutral and non-polar, with serine, which is neutral and polar, at codon 771 of the MYO7A protein (p.Ala771Ser). This variant is not present in population databases (gnomAD no frequency). This missense change has been observed in individual(s) with MYO7A-related conditions (PMID: 20844544, 24618850, 25788563, 33691693). ClinVar contains an entry for this variant (Variation ID: 226433). Invitae Evidence Modeling of protein sequence and biophysical properties (such as structural, functional, and spatial information, amino acid conservation, physicochemical variation, residue mobility, and thermodynamic stability) indicates that this missense variant is not expected to disrupt MYO7A protein function with a negative predictive value of 95%. In summary, the available evidence is currently insufficient to determine the role of this variant in disease. Therefore, it has been classified as a Variant of Uncertain Significance.

GeneReviews
No classification provided. Condition: Usher syndrome type 1. Review status: no classification provided. Collection method: literature only. Allele origin: germline. Affected: yes. Not counted in ClinVar's aggregate classification.

Literature cited by the submitters: PubMed 20844544 (cited by Labcorp Genetics (formerly Invitae), Labcorp); PubMed 24618850 (cited by Labcorp Genetics (formerly Invitae), Labcorp and GeneReviews); PubMed 25788563 (cited by Labcorp Genetics (formerly Invitae), Labcorp); PubMed 33691693 (cited by Labcorp Genetics (formerly Invitae), Labcorp); NCBI Bookshelf NBK1265 (cited by GeneReviews).

NM_000260.4(MYO7A):c.2311G>T (p.Ala771Ser)

Gene: MYO7A (myosin VIIA; plus strand). Cytogenetic location: 11q13.5.
Variant type: single nucleotide variant.
Coding change: c.2311G>T on transcript NM_000260.4 (MANE Select); coding-DNA position 2311, G replaced by T.
Protein change: p.Ala771Ser; replaces alanine 771 with serine.
Molecular consequence: missense variant.
Genome position (GRCh38, 1-based): chr11:77,179,073, G>T. VCF-style: chr11-77179073-G-T. GRCh37 (hg19) VCF-style: chr11-76890119-G-T.
Other names: c.2311G>T, p.Ala771Ser (NM_001127180.2); c.2278G>T, p.Ala760Ser (NM_001369365.1); short protein forms A771S, A760S.
Identifiers: ClinVar variation 226433 (VCV000226433.5), dbSNP rs782384464, ClinGen allele CA10576351.
Genomic context (GRCh38, chr11:77,179,073, plus strand): 5'-ACTGCTCACCCGCGCCACTACTGCTGTTTCAGGTCTAACTTTCTGAAGCTGAAGAACGCT[G>T]CCACACTGATCCAGAGGCACTGGCGGGGTCACAACTGTAGGAAGAACTACGGGCTGGTGA-3'
Protein context (NP_000251.3, residues 761-781): RSNFLKLKNA[Ala771Ser]TLIQRHWRGH